The following is an entry in ClinVar:

NM_001267550.2(TTN):c.104215G>C (p.Ala34739Pro)

Genes: TTN (titin; minus strand), TTN-AS1 (TTN antisense RNA 1; plus strand). Cytogenetic location: 2q31.2.
Variant type: single nucleotide variant.
Coding change: c.104215G>C on transcript NM_001267550.2 (MANE Select); coding-DNA position 104215, G replaced by C.
Protein change: p.Ala34739Pro; replaces alanine 34739 with proline.
Molecular consequence: missense variant.
Genome position (GRCh38, 1-based): chr2:178,532,400, C>G on the plus strand (G>C on the coding strand, the complement: TTN is on the minus strand). VCF-style: chr2-178532400-C-G. GRCh37 (hg19) VCF-style: chr2-179397127-C-G.
Other names: c.99292G>C, p.Ala33098Pro (NM_001256850.1); c.77020G>C, p.Ala25674Pro (NM_003319.4); c.96511G>C, p.Ala32171Pro (NM_133378.4); c.77395G>C, p.Ala25799Pro (NM_133432.3); c.77596G>C, p.Ala25866Pro (NM_133437.4); short protein forms A25674P, A34739P, A32171P, A25866P, A33098P, A25799P.
Identifiers: ClinVar variation 843529 (VCV000843529.8), dbSNP rs796476794, ClinGen allele CA349412225.

ClinVar aggregate classification (germline): Uncertain significance (1 of 4 stars; one submission).

Conditions:
Autosomal recessive limb-girdle muscular dystrophy type 2J (LGMDR10). Also called: Limb-girdle muscular dystrophy, type 2J; MUSCULAR DYSTROPHY, LIMB-GIRDLE, AUTOSOMAL RECESSIVE 10. Identifiers: Orphanet 140922, MedGen C1837342, MONDO:0012127, OMIM 608807.
Dilated cardiomyopathy 1G (CMD1G). Identifiers: Orphanet 154, MedGen C1858763, MONDO:0011400, OMIM 604145.

Submission:

Labcorp Genetics (formerly Invitae), Labcorp
Classification: Uncertain significance for Dilated cardiomyopathy 1G; Autosomal recessive limb-girdle muscular dystrophy type 2J. Last evaluated: 2019-01-03. Review status: criteria provided, single submitter. Criteria: Invitae Variant Classification Sherloc (09022015). Collection method: clinical testing. Allele origin: germline.
Comment: This variant has not been reported in the literature in individuals with TTN-related conditions. This variant is not present in population databases (ExAC no frequency). This sequence change replaces alanine with proline at codon 34739 of the TTN protein (p.Ala34739Pro). There is a small physicochemical difference between alanine and proline. In summary, the available evidence is currently insufficient to determine the role of this variant in disease. Therefore, it has been classified as a Variant of Uncertain Significance. Algorithms developed to predict the effect of missense changes on protein structure and function are unavailable for the TTN gene. This variant is located in the M band of TTN (PMID: 25589632). Variants in this region may be relevant for neuromuscular disorders, but have not been definitively shown to cause cardiomyopathy (PMID: 23975875).

Literature cited by the submitters: PubMed 25589632; PubMed 23975875.